The following is an entry in ClinVar:

ClinVar aggregate classification (germline): Uncertain significance (1 of 4 stars; one submission).

Allele frequency attached by ClinVar (database versions not stated): gnomAD exomes below 0.00001; TOPMed below 0.00001; gnomAD 0.00001.

Submission:

GeneDx
Classification: Uncertain significance. Last evaluated: 2022-03-02. Review status: criteria provided, single submitter. Criteria: GeneDx Variant Classification Process June 2021. Collection method: clinical testing. Allele origin: germline. Affected: yes.
Comment: Not observed at significant frequency in large population cohorts (gnomAD); In silico analysis supports that this missense variant has a deleterious effect on protein structure/function; Has not been previously published as pathogenic or benign to our knowledge

NM_016284.5(CNOT1):c.2311G>A (p.Gly771Arg)

Gene: CNOT1 (CCR4-NOT transcription complex subunit 1; minus strand). Cytogenetic location: 16q21.
Variant type: single nucleotide variant.
Coding change: c.2311G>A on transcript NM_016284.5 (MANE Select); coding-DNA position 2311, G replaced by A.
Protein change: p.Gly771Arg; replaces glycine 771 with arginine.
Molecular consequence: missense variant. On other transcripts: non-coding transcript variant (1).
Genome position (GRCh38, 1-based): chr16:58,558,494, C>T on the plus strand (G>A on the coding strand, the complement: CNOT1 is on the minus strand). VCF-style: chr16-58558494-C-T. GRCh37 (hg19) VCF-style: chr16-58592398-C-T.
Other names: c.2311G>A, p.Gly771Arg (NM_001265612.2, NM_206999.3); short protein forms G771R.
Identifiers: ClinVar variation 1704098 (VCV001704098.2), dbSNP rs1481933150, ClinGen allele CA396131408.